The following is an entry in ClinVar:

NM_006531.5(IFT88):c.718G>C (p.Gly240Arg)

Gene: IFT88 (intraflagellar transport 88; plus strand). Cytogenetic location: 13q12.11.
Variant type: single nucleotide variant.
Coding change: c.718G>C on transcript NM_006531.5 (MANE Select); coding-DNA position 718, G replaced by C.
Protein change: p.Gly240Arg; replaces glycine 240 with arginine.
Molecular consequence: missense variant. On other transcripts: non-coding transcript variant (5).
Genome position (GRCh38, 1-based): chr13:20,599,471, G>C. VCF-style: chr13-20599471-G-C. GRCh37 (hg19) VCF-style: chr13-21173610-G-C.
Other names: c.661G>C, p.Gly221Arg (NM_001318491.2, NM_001353573.2, NM_001353574.2 and 1 more transcripts); c.745G>C, p.Gly249Arg (NM_001318493.2, NM_001353565.2, NM_001353566.2 and 6 more transcripts); c.718G>C, p.Gly240Arg (NM_001353568.2, NM_001353571.2, NM_001353572.2 and 1 more transcripts); c.85G>C, p.Gly29Arg (NM_001353579.2); short protein forms G221R, G240R, G249R, G29R.
Identifiers: ClinVar variation 1928947 (VCV001928947.5), dbSNP rs2548141315, ClinGen allele CA387473645.

ClinVar aggregate classification (germline): Uncertain significance (1 of 4 stars; one submission).

Submission:

Labcorp Genetics (formerly Invitae), Labcorp
Classification: Uncertain significance. Last evaluated: 2024-02-23. Review status: criteria provided, single submitter. Criteria: Invitae Variant Classification Sherloc (09022015). Collection method: clinical testing. Allele origin: germline.
Comment: This sequence change replaces glycine, which is neutral and non-polar, with arginine, which is basic and polar, at codon 249 of the IFT88 protein (p.Gly249Arg). This variant is not present in population databases (gnomAD no frequency). This variant has not been reported in the literature in individuals affected with IFT88-related conditions. ClinVar contains an entry for this variant (Variation ID: 1928947). An algorithm developed to predict the effect of missense changes on protein structure and function (PolyPhen-2) suggests that this variant is likely to be disruptive. In summary, the available evidence is currently insufficient to determine the role of this variant in disease. Therefore, it has been classified as a Variant of Uncertain Significance.